The following is an entry in ClinVar:

NM_001084.5(PLOD3):c.1985C>A (p.Pro662Gln)

Gene: PLOD3 (procollagen-lysine,2-oxoglutarate 5-dioxygenase 3; minus strand). Cytogenetic location: 7q22.1.
Variant type: single nucleotide variant.
Coding change: c.1985C>A on transcript NM_001084.5 (MANE Select); coding-DNA position 1985, C replaced by A.
Protein change: p.Pro662Gln; replaces proline 662 with glutamine.
Molecular consequence: missense variant.
Genome position (GRCh38, 1-based): chr7:101,206,855, G>T on the plus strand (C>A on the coding strand, the complement: PLOD3 is on the minus strand). VCF-style: chr7-101206855-G-T. GRCh37 (hg19) VCF-style: chr7-100850136-G-T.
Other names: c.1985C>A (NM_001084.4); short protein forms P662Q.
Identifiers: ClinVar variation 1380827 (VCV001380827.5), dbSNP rs138165832, ClinGen allele CA4407428.

ClinVar aggregate classification (germline): Conflicting classifications of pathogenicity. Review status: criteria provided, conflicting classifications (1 of 4 stars). 2 submissions from 2 submitters: Uncertain significance (1); Likely benign (1). Last evaluated 2026-01-20.

Conditions:
Inborn genetic diseases. Identifiers: MedGen C0950123, MeSH D030342.

Allele frequency attached by ClinVar (database versions not stated): gnomAD 0.00009 and 0.00010; ExAC 0.00011; gnomAD exomes 0.00012; ESP Exome Variant Server 0.00023.
gnomAD v4.1: 323 of 1,565,802 alleles (0.021%); highest among the groups gnomAD compares: Non-Finnish European, 0.025%; no homozygotes.

Submissions (2):

Labcorp Genetics (formerly Invitae), Labcorp
Classification: Uncertain significance. Last evaluated: 2026-01-20. Review status: criteria provided, single submitter. Criteria: Invitae Variant Classification Sherloc (09022015). Collection method: clinical testing. Allele origin: germline.
Comment: This sequence change replaces proline, which is neutral and non-polar, with glutamine, which is neutral and polar, at codon 662 of the PLOD3 protein (p.Pro662Gln). This variant is present in population databases (rs138165832, gnomAD 0.02%). This variant has not been reported in the literature in individuals affected with PLOD3-related conditions. ClinVar contains an entry for this variant (Variation ID: 1380827). Invitae Evidence Modeling of protein sequence and biophysical properties (such as structural, functional, and spatial information, amino acid conservation, physicochemical variation, residue mobility, and thermodynamic stability) indicates that this missense variant is expected to disrupt PLOD3 protein function with a positive predictive value of 80%. In summary, the available evidence is currently insufficient to determine the role of this variant in disease. Therefore, it has been classified as a Variant of Uncertain Significance.

Ambry Genetics
Classification: Likely benign for Inborn genetic diseases. Last evaluated: 2024-08-01. Review status: criteria provided, single submitter. Criteria: Ambry Variant Classification Scheme 2023. Collection method: clinical testing. Allele origin: germline.